The following is an entry in ClinVar:

NM_003835.4(RGS9):c.651C>A (p.Asn217Lys)

Gene: RGS9 (regulator of G protein signaling 9; plus strand). Cytogenetic location: 17q24.1.
Variant type: single nucleotide variant.
Coding change: c.651C>A on transcript NM_003835.4 (MANE Select); coding-DNA position 651, C replaced by A.
Protein change: p.Asn217Lys; replaces asparagine 217 with lysine.
Molecular consequence: missense variant. On other transcripts: intron variant (2).
Genome position (GRCh38, 1-based): chr17:65,177,800, C>A. VCF-style: chr17-65177800-C-A. GRCh37 (hg19) VCF-style: chr17-63173918-C-A.
Other names: c.645+6C>A (NM_001081955.3, NM_001165933.2); short protein forms N217K.
Identifiers: ClinVar variation 2105888 (VCV002105888.4), dbSNP rs1911705651, ClinGen allele CA400660978.
Genomic context (GRCh38, chr17:65,177,800, plus strand): 5'-GGACAATGTGCTGGACTACGGCCTGGACCGAGTGACCAATCCGAATGAAGTCAAGGTAAA[C>A]CAGGTATGTCTCTGCTGCATAGTTTGGGTAGGGCCTAGGTCGGATTCTGGGGCTGGGAAG-3'
Protein context (NP_003826.2, residues 207-227): RVTNPNEVKV[Asn217Lys]QKQTVVAVKK

ClinVar aggregate classification (germline): Uncertain significance (1 of 4 stars; one submission).

Allele frequency attached by ClinVar (database versions not stated): gnomAD exomes below 0.00001; gnomAD 0.00001.
gnomAD v4.1: 2 of 1,613,774 alleles (0.00012%); highest among the groups gnomAD compares: African/African-American, 0.0013%; no homozygotes.

Submission:

Labcorp Genetics (formerly Invitae), Labcorp
Classification: Uncertain significance. Last evaluated: 2022-03-17. Review status: criteria provided, single submitter. Criteria: Invitae Variant Classification Sherloc (09022015). Collection method: clinical testing. Allele origin: germline.
Comment: This sequence change replaces asparagine, which is neutral and polar, with lysine, which is basic and polar, at codon 217 of the RGS9 protein (p.Asn217Lys). This variant is not present in population databases (gnomAD no frequency). This variant has not been reported in the literature in individuals affected with RGS9-related conditions. Algorithms developed to predict the effect of missense changes on protein structure and function output the following: SIFT: "Deleterious"; PolyPhen-2: "Benign"; Align-GVGD: "Class C0". The lysine amino acid residue is found in multiple mammalian species, which suggests that this missense change does not adversely affect protein function. In summary, the available evidence is currently insufficient to determine the role of this variant in disease. Therefore, it has been classified as a Variant of Uncertain Significance.